The following is an entry in ClinVar:

NM_001852.4(COL9A2):c.1273G>C (p.Val425Leu)

Gene: COL9A2 (collagen type IX alpha 2 chain; minus strand). Cytogenetic location: 1p34.2.
Variant type: single nucleotide variant.
Coding change: c.1273G>C on transcript NM_001852.4 (MANE Select); coding-DNA position 1273, G replaced by C.
Protein change: p.Val425Leu; replaces valine 425 with leucine.
Molecular consequence: missense variant.
Genome position (GRCh38, 1-based): chr1:40,304,334, C>G on the plus strand (G>C on the coding strand, the complement: COL9A2 is on the minus strand). VCF-style: chr1-40304334-C-G. GRCh37 (hg19) VCF-style: chr1-40770006-C-G.
Other names: c.1273G>C (NM_001852.3); short protein forms V425L.
Identifiers: ClinVar variation 1486985 (VCV001486985.7), dbSNP rs148912050, ClinGen allele CA791515.
Genomic context (GRCh38, chr1:40,304,334, plus strand): 5'-TGTTATAGGGCCCCTTTCCCAGGTGTTTCCCAGCCCCATCTGGCACCTTGTCTCCTTTGA[C>G]GCCTGGCAAGCCTTGGGGCCCTGGAATTCCGGGGGGGCCCTGCTCCCCCTTAGGGCCCTG-3'
Protein context (NP_001843.1, residues 415-435): GIPGPQGLPG[Val425Leu]KGDKGSPGKT

ClinVar aggregate classification (germline): Uncertain significance. Review status: criteria provided, multiple submitters, no conflicts (2 of 4 stars). 2 submissions from 2 submitters: Uncertain significance (2). Last evaluated 2025-01-26.

gnomAD v4.1: 17 of 1,565,322 alleles (0.0011%); highest among the groups gnomAD compares: Non-Finnish European, 0.0015%; no homozygotes.

Submissions (2):

Labcorp Genetics (formerly Invitae), Labcorp
Classification: Uncertain significance. Last evaluated: 2025-01-26. Review status: criteria provided, single submitter. Criteria: Invitae Variant Classification Sherloc (09022015). Collection method: clinical testing. Allele origin: germline.
Comment: This sequence change replaces valine, which is neutral and non-polar, with leucine, which is neutral and non-polar, at codon 425 of the COL9A2 protein (p.Val425Leu). This variant is present in population databases (rs148912050, gnomAD 0.008%). This variant has not been reported in the literature in individuals affected with COL9A2-related conditions. ClinVar contains an entry for this variant (Variation ID: 1486985). Invitae Evidence Modeling of protein sequence and biophysical properties (such as structural, functional, and spatial information, amino acid conservation, physicochemical variation, residue mobility, and thermodynamic stability) indicates that this missense variant is not expected to disrupt COL9A2 protein function with a negative predictive value of 95%. In summary, the available evidence is currently insufficient to determine the role of this variant in disease. Therefore, it has been classified as a Variant of Uncertain Significance.

GeneDx
Classification: Uncertain significance. Last evaluated: 2023-06-15. Review status: criteria provided, single submitter. Criteria: GeneDx Variant Classification Process June 2021. Collection method: clinical testing. Allele origin: germline. Affected: yes.
Comment: Not observed at significant frequency in large population cohorts (gnomAD); In silico analysis supports that this missense variant does not alter protein structure/function; Has not been previously published as pathogenic or benign to our knowledge